The following is an entry in ClinVar:

NM_015215.4(CAMTA1):c.3677C>T (p.Ser1226Phe)

Genes: CAMTA1 (calmodulin binding transcription activator 1; plus strand), LOC126805603 (CDK7 strongly-dependent group 2 enhancer GRCh37_chr1:7798026-7799225; plus strand). Cytogenetic location: 1p36.23.
Variant type: single nucleotide variant.
Coding change: c.3677C>T on transcript NM_015215.4 (MANE Select); coding-DNA position 3677, C replaced by T.
Protein change: p.Ser1226Phe; replaces serine 1226 with phenylalanine.
Molecular consequence: missense variant. On other transcripts: intron variant (11).
Genome position (GRCh38, 1-based): chr1:7,737,977, C>T. VCF-style: chr1-7737977-C-T. GRCh37 (hg19) VCF-style: chr1-7798037-C-T.
Other names: c.3587C>T, p.Ser1196Phe (NM_001349608.2); c.806C>T, p.Ser269Phe (NM_001349613.1); c.749C>T, p.Ser250Phe (NM_001349614.1, NM_001349615.2, NM_001349616.2 and 2 more transcripts); c.3659-321C>T (NM_001349609.2, NM_001349610.2); c.3569-321C>T (NM_001349612.2); c.731-321C>T (NM_001349620.1, NM_001349621.1, NM_001349625.2 and 5 more transcripts); short protein forms S269F, S1196F, S1226F, S250F.
Identifiers: ClinVar variation 2286094 (VCV002286094.2), dbSNP rs780958930, ClinGen allele CA567015.

ClinVar aggregate classification (germline): Uncertain significance (1 of 4 stars; one submission).

Conditions:
Inborn genetic diseases. Identifiers: MedGen C0950123, MeSH D030342.

Allele frequency attached by ClinVar (database versions not stated): ExAC 0.00001.
gnomAD v4.1: 1 of 1,610,704 alleles (0.000062%); highest among the groups gnomAD compares: South Asian, 0.0011%; no homozygotes.

Submission:

Ambry Genetics
Classification: Uncertain significance for Inborn genetic diseases. Last evaluated: 2022-06-04. Review status: criteria provided, single submitter. Criteria: Ambry Variant Classification Scheme 2023. Collection method: clinical testing. Allele origin: germline.
Comment: The c.3677C>T (p.S1226F) alteration is located in exon 16 (coding exon 16) of the CAMTA1 gene. This alteration results from a C to T substitution at nucleotide position 3677, causing the serine (S) at amino acid position 1226 to be replaced by a phenylalanine (F). Based on data from gnomAD, the T allele has an overall frequency of 0.0004% (1/250374) total alleles studied. The highest observed frequency was 0.003% (1/30402) of South Asian alleles. This amino acid position is highly conserved in available vertebrate species. The in silico prediction for this alteration is inconclusive. Based on insufficient or conflicting evidence, the clinical significance of this alteration remains unclear.